The following is an entry in ClinVar:

ClinVar aggregate classification (germline): Conflicting classifications of pathogenicity. Review status: criteria provided, conflicting classifications (1 of 4 stars). 5 submissions from 5 submitters: Uncertain significance (4); Likely benign (1). Last evaluated 2025-02-05.

Conditions:
Cardiovascular phenotype. Identifiers: MedGen CN230736.
Alstrom syndrome (ALMS). Identifiers: Orphanet 64, MedGen C0268425, MONDO:0008763, OMIM 203800.

Allele frequency attached by ClinVar (database versions not stated): TOPMed 0.00003; gnomAD 0.00002; gnomAD exomes below 0.00001; ExAC 0.00001.
gnomAD v4.1: 10 of 1,613,792 alleles (0.00062%); highest among the groups gnomAD compares: Admixed American, 0.005%; no homozygotes.

Submissions (5):

Ambry Genetics
Classification: Likely benign for Cardiovascular phenotype. Last evaluated: 2025-02-05. Review status: criteria provided, single submitter. Criteria: Ambry Variant Classification Scheme 2023. Collection method: clinical testing. Allele origin: germline.

GeneDx
Classification: Uncertain significance. Last evaluated: 2024-02-14. Review status: criteria provided, single submitter. Criteria: GeneDx Variant Classification Process June 2021. Collection method: clinical testing. Allele origin: germline.
Comment: Not observed at significant frequency in large population cohorts (gnomAD); In silico analysis supports that this missense variant does not alter protein structure/function; Has not been previously published as pathogenic or benign to our knowledge

Labcorp Genetics (formerly Invitae), Labcorp
Classification: Uncertain significance for Alstrom syndrome. Last evaluated: 2022-09-27. Review status: criteria provided, single submitter. Criteria: Invitae Variant Classification Sherloc (09022015). Collection method: clinical testing. Allele origin: germline.
Comment: This sequence change replaces proline, which is neutral and non-polar, with threonine, which is neutral and polar, at codon 3422 of the ALMS1 protein (p.Pro3422Thr). This variant is present in population databases (rs763306448, gnomAD 0.0009%). This variant has not been reported in the literature in individuals affected with ALMS1-related conditions. ClinVar contains an entry for this variant (Variation ID: 1343662). Experimental studies and prediction algorithms are not available or were not evaluated, and the functional significance of this variant is currently unknown. In summary, the available evidence is currently insufficient to determine the role of this variant in disease. Therefore, it has been classified as a Variant of Uncertain Significance.

Women's Health and Genetics/Laboratory Corporation of America, LabCorp
Classification: Uncertain significance. Last evaluated: 2022-02-18. Review status: criteria provided, single submitter. Criteria: LabCorp Variant Classification Summary - May 2015. Collection method: clinical testing. Allele origin: germline.

Fulgent Genetics
Classification: Uncertain significance for Alstrom syndrome. Last evaluated: 2021-07-01. Review status: criteria provided, single submitter. Criteria: ACMG Guidelines, 2015. Collection method: clinical testing. Allele origin: unknown.

NM_001378454.1(ALMS1):c.10261C>A (p.Pro3421Thr)

Gene: ALMS1 (ALMS1 centrosome and basal body associated protein; plus strand). Cytogenetic location: 2p13.1.
Variant type: single nucleotide variant.
Coding change: c.10261C>A on transcript NM_001378454.1 (MANE Select); coding-DNA position 10261, C replaced by A.
Protein change: p.Pro3421Thr; replaces proline 3421 with threonine.
Molecular consequence: missense variant.
Genome position (GRCh38, 1-based): chr2:73,559,019, C>A. VCF-style: chr2-73559019-C-A. GRCh37 (hg19) VCF-style: chr2-73786146-C-A.
Other names: c.10264C>A, p.Pro3422Thr (NM_015120.4); short protein forms P3421T, P3422T.
Identifiers: ClinVar variation 1343662 (VCV001343662.7), dbSNP rs763306448, ClinGen allele CA1714953.